The following is an entry in ClinVar:

NM_001048174.2(MUTYH):c.310del (p.Val104fs)

Gene: MUTYH (mutY DNA glycosylase; minus strand). Cytogenetic location: 1p34.1.
Variant type: Deletion.
Coding change: c.310del on transcript NM_001048174.2 (MANE Select); coding-DNA position 310, one base deleted (G; older notation c.310delG).
Protein change: p.Val104fs; shifts the reading frame from valine 104.
Molecular consequence: frameshift variant. On other transcripts: non-coding transcript variant (1), intron variant (2).
Genome position (GRCh38, 1-based): chr1:45,333,165, C deleted on the plus strand (G on the coding strand, the reverse complement: MUTYH is on the minus strand); the first of 3 consecutive C bases (chr1:45,333,165-45,333,167); deleting any one gives the same sequence. VCF-style (leftmost placement, unchanged base first): chr1-45333164-AC-A. GRCh37 (hg19) VCF-style: chr1-45798836-AC-A.
Other names: c.394delG (NM_001128425.1); c.394del, p.Val132fs (NM_001128425.2); c.355del, p.Val119fs (NM_001293190.2); c.343del, p.Val115fs (NM_001293191.2); c.34del, p.Val12fs (NM_001293192.2, NM_001293196.2); c.310del, p.Val104fs (NM_001293195.2, NM_001048171.2, NM_001048173.2); c.385del, p.Val129fs (NM_012222.3); c.33+120del (NM_001350651.2, NM_001350650.2); and 1 more; short protein forms V132fs, V12fs, V104fs, V115fs, V105fs, V119fs, V129fs.
Identifiers: ClinVar variation 483932 (VCV000483932.9), dbSNP rs1553129676, ClinGen allele CA658656934.

ClinVar aggregate classification (germline): Pathogenic/Likely pathogenic. Review status: criteria provided, multiple submitters, no conflicts (2 of 4 stars). 3 submissions from 3 submitters: Pathogenic (2); Likely pathogenic (1). Last evaluated 2023-11-30.

Conditions:
Hereditary cancer-predisposing syndrome. Also called: Hereditary neoplastic syndrome; Hereditary Cancer Syndrome; Neoplastic Syndromes, Hereditary; Tumor predisposition. Identifiers: Orphanet 140162, MedGen C0027672, MeSH D009386, MONDO:0015356.
Familial adenomatous polyposis 2. Also called: MYH-associated polyposis; COLORECTAL ADENOMATOUS POLYPOSIS, AUTOSOMAL RECESSIVE; ADENOMAS, MULTIPLE COLORECTAL, AUTOSOMAL RECESSIVE; MUTYH-related attenuated familial adenomatous polyposis; Adenomas, multiple colorectal; FAP type 2. Identifiers: Orphanet 220460, Orphanet 247798, MedGen C3272841, MONDO:0012041, OMIM 608456.

Submissions (3):

All of Us Research Program, National Institutes of Health
Classification: Likely pathogenic for Familial adenomatous polyposis 2. Last evaluated: 2023-11-30. Review status: criteria provided, single submitter. Criteria: ACMG Guidelines, 2015. Collection method: clinical testing. Allele origin: germline. Inheritance: Autosomal recessive inheritance. Observed: 2 variant alleles, 2 heterozygotes.
Comment: This study involves interpretation of variants in research participants for the purpose of population health screening. Participant phenotype was not available at the time of variant classification. Additional details can be found in publication PMID: 35346344, PMCID: PMC8962531

Labcorp Genetics (formerly Invitae), Labcorp
Classification: Pathogenic for Familial adenomatous polyposis 2. Last evaluated: 2023-07-25. Review status: criteria provided, single submitter. Criteria: Invitae Variant Classification Sherloc (09022015). Collection method: clinical testing. Allele origin: germline.
Comment: This variant has not been reported in the literature in individuals affected with MUTYH-related conditions. For these reasons, this variant has been classified as Pathogenic. ClinVar contains an entry for this variant (Variation ID: 483932). This variant is not present in population databases (gnomAD no frequency). This sequence change creates a premature translational stop signal (p.Val132Serfs*14) in the MUTYH gene. It is expected to result in an absent or disrupted protein product. Loss-of-function variants in MUTYH are known to be pathogenic (PMID: 18534194, 20663686).

Ambry Genetics
Classification: Pathogenic for Hereditary cancer-predisposing syndrome. Last evaluated: 2017-07-17. Review status: criteria provided, single submitter. Criteria: Ambry Variant Classification Scheme 2023. Collection method: clinical testing. Allele origin: germline.
Comment: The c.394delG variant, located in coding exon 5 of the MUTYH gene, results from a deletion of one nucleotide at nucleotide position 394, causing a translational frameshift with a predicted alternate stop codon (p.V132Sfs*14). This alteration is expected to result in loss of function by premature protein truncation or nonsense-mediated mRNA decay. As such, this alteration is interpreted as a disease-causing mutation.

Literature cited by the submitters: PubMed 18534194 (cited by Labcorp Genetics (formerly Invitae), Labcorp); PubMed 20663686 (cited by Labcorp Genetics (formerly Invitae), Labcorp).